The following is an entry in ClinVar:

NM_000795.4(DRD2):c.289G>A (p.Val97Ile)

Gene: DRD2 (dopamine receptor D2; minus strand). Cytogenetic location: 11q23.2.
Variant type: single nucleotide variant.
Coding change: c.289G>A on transcript NM_000795.4 (MANE Select); coding-DNA position 289, G replaced by A.
Protein change: p.Val97Ile; replaces valine 97 with isoleucine.
Molecular consequence: missense variant.
Genome position (GRCh38, 1-based): chr11:113,418,133, C>T on the plus strand (G>A on the coding strand, the complement: DRD2 is on the minus strand). VCF-style: chr11-113418133-C-T. GRCh37 (hg19) VCF-style: chr11-113288855-C-T.
Other names: c.289G>A, p.Val97Ile (NM_016574.4); short protein forms V97I.
Identifiers: ClinVar variation 2003830 (VCV002003830.4), dbSNP rs2548822711, ClinGen allele CA382653434.
Genomic context (GRCh38, chr11:113,418,133, plus strand): 5'-TCATGACGTCCAGAGTGACGAAGATGTCACAGTGAATCCTGCTGAATTTCCACTCACCTA[C>T]CACCTGGGGACAAAGCAACATAATGGATGGACAGCAGGAGTGGGAGATTAGCTTAGGTCC-3'
Protein context (NP_000786.1, residues 87-107): VMPWVVYLEV[Val97Ile]GEWKFSRIHC

ClinVar aggregate classification (germline): Uncertain significance (1 of 4 stars; one submission).

Conditions:
Dystonic disorder. Also called: Dystonia. Identifiers: MedGen C0013421, MONDO:0003441, HP:0001332.

Submission:

Labcorp Genetics (formerly Invitae), Labcorp
Classification: Uncertain significance for Dystonic disorder. Last evaluated: 2022-06-09. Review status: criteria provided, single submitter. Criteria: Invitae Variant Classification Sherloc (09022015). Collection method: clinical testing. Allele origin: germline.
Comment: This sequence change replaces valine, which is neutral and non-polar, with isoleucine, which is neutral and non-polar, at codon 97 of the DRD2 protein (p.Val97Ile). This variant is not present in population databases (gnomAD no frequency). In summary, the available evidence is currently insufficient to determine the role of this variant in disease. Therefore, it has been classified as a Variant of Uncertain Significance. Algorithms developed to predict the effect of missense changes on protein structure and function (SIFT, PolyPhen-2, Align-GVGD) all suggest that this variant is likely to be disruptive. This variant has not been reported in the literature in individuals affected with DRD2-related conditions.